The following is an entry in ClinVar:

GRCh37/hg19 15q21.3-22.31(chr15:57544843-64324372)x1

Genes: ADAM10 (ADAM metallopeptidase domain 10; minus strand), ALDH1A2 (aldehyde dehydrogenase 1 family member A2; minus strand), ANXA2 (annexin A2; minus strand), APH1B (aph-1 homolog B, gamma-secretase subunit; plus strand), AQP9 (aquaporin 9; plus strand) and 31 more. Cytogenetic location: 15q21.3-22.31.
Variant type: copy number loss.
Change: copy number 1 (one copy instead of two) of chr15:57,544,843-64,324,372 (6.78 Mb, GRCh37 coordinates, 1-based), cytogenetic band 15q21.3-22.31.
Identifiers: ClinVar variation 3391925 (VCV003391925.1).

ClinVar aggregate classification (germline): Pathogenic (1 of 4 stars; one submission).

Submission:

Quest Diagnostics Nichols Institute San Juan Capistrano
Classification: Pathogenic. Last evaluated: 2023-11-10. Review status: criteria provided, single submitter. Criteria: ACMG/ClinGen CNV Guidelines, 2019. Collection method: clinical testing. Allele origin: unknown.
Comment: This loss involves multiple protein-coding genes, including multiple exons (NM_207036.2) of the 3' portion of TCF12 (OMIM 600480). Haploinsufficiency of TCF12 is associated with autosomal dominant craniosynostosis-3 (CRS3; OMIM 615314; CCID:007983; Le Tanno 2014, Sharma 2013). Microdeletions which either overlap or are fully within the current have been reported in literature (Yamamoto 2014, Yamamoto 2021). Therefore, based on gene count and current medical literature, this copy number variant (CNV) is classified as pathogenic. References: Le Tanno et al., Am J Med Genet A. 2014 Jun;164A(6):1530-6. PMID: 24648389; Sharma et al., Nat Genet. 2013 Mar;45(3):304-7. PMID: 23354436; Yamamoto et al., Eur J Med Genet. 2014 Mar;57(4):163-8. PMID: 24525055; Yamamoto et al., Cells. 2021 Sep 4;10(9):2317. PMID: 34571966